The following is an entry in ClinVar:

ClinVar aggregate classification (germline): Pathogenic/Likely pathogenic. Review status: criteria provided, multiple submitters, no conflicts (2 of 4 stars). 4 submissions from 4 submitters: Pathogenic (3); Likely pathogenic (1). Last evaluated 2025-08-01.

Conditions:
ANKRD11-related disorder. Also called: ANKRD11-related condition.
KBG syndrome (KBGS). Also called: ANKRD11-Related KBG Syndrome. Identifiers: Orphanet 2332, MedGen C0220687, MONDO:0007846, OMIM 148050.

Submissions (4):

Rady Children's Institute for Genomic Medicine, Rady Children's Hospital San Diego
Classification: Pathogenic for KBG syndrome. Last evaluated: 2025-08-01. Review status: criteria provided, single submitter. Criteria: ACMG Guidelines, 2015. Collection method: clinical testing. Allele origin: germline. Affected: yes.
Comment: This nonsense variant found in exon 9 of 13 is predicted to result in loss of normal protein function through either protein truncation or nonsense-mediated mRNA decay. This variant has not been previously reported or functionally characterized in the literature to our knowledge. The c.7144C>T (p.Gln2382Ter) variant is absent from the latest version of the gnomAD population database and thus is presumed to be rare. Based on parental analysis, this variant likely occurred as a de novo event. Based on the available evidence, c.7144C>T (p.Gln2382Ter) is classified as Pathogenic.

Blueprint Genetics
Classification: Pathogenic for ANKRD11-related disorders. Last evaluated: 2024-11-04. Review status: criteria provided, single submitter. Criteria: ACMG Guidelines, 2015. Collection method: clinical testing. Allele origin: de novo. Affected: yes. Observed: 2 variant alleles.

MVZ Martinsried, Medicover Genetics
Classification: Pathogenic for KBG syndrome. Last evaluated: 2022-02-15. Review status: criteria provided, single submitter. Criteria: ACGS Guidelines, 2020. Collection method: clinical testing. Allele origin: de novo. Affected: yes.

CENTOGENE GmbH and LLC - Guiding Precision Medicine
Classification: Likely pathogenic for KBG syndrome. Last evaluated: 2021-05-28. Review status: criteria provided, single submitter. Criteria: ACMG Guidelines, 2015. Collection method: clinical testing. Allele origin: germline. Affected: yes.

NM_013275.6(ANKRD11):c.7144C>T (p.Gln2382Ter)

Gene: ANKRD11 (ankyrin repeat domain 11; minus strand). Cytogenetic location: 16q24.3.
Variant type: single nucleotide variant.
Coding change: c.7144C>T on transcript NM_013275.6 (MANE Select); coding-DNA position 7144, C replaced by T.
Protein change: p.Gln2382Ter; replaces glutamine 2382 with a stop codon.
Molecular consequence: nonsense.
Genome position (GRCh38, 1-based): chr16:89,279,398, G>A on the plus strand (C>T on the coding strand, the complement: ANKRD11 is on the minus strand). VCF-style: chr16-89279398-G-A. GRCh37 (hg19) VCF-style: chr16-89345806-G-A.
Other names: c.7144C>T, p.Gln2382Ter (NM_001256182.2, NM_001256183.2); short protein forms Q2382*.
Identifiers: ClinVar variation 1333832 (VCV001333832.4), dbSNP rs2151730563, ClinGen allele CA397149199.